The following is an entry in ClinVar:

NM_198129.4(LAMA3):c.9165del (p.Arg3056fs)

Gene: LAMA3 (laminin subunit alpha 3; plus strand). Cytogenetic location: 18q11.2.
Variant type: Deletion.
Coding change: c.9165del on transcript NM_198129.4 (MANE Select); coding-DNA position 9165, one base deleted (G; older notation c.9165delG).
Protein change: p.Arg3056fs; shifts the reading frame from arginine 3056.
Molecular consequence: frameshift variant.
Genome position (GRCh38, 1-based): chr18:23,943,926, G deleted. VCF-style (leftmost placement, unchanged base first): chr18-23943925-TG-T. GRCh37 (hg19) VCF-style: chr18-21523889-TG-T.
Other names: c.4338del, p.Arg1447fs (NM_000227.6); c.8997del, p.Arg3000fs (NM_001127717.4); c.4170del, p.Arg1391fs (NM_001127718.4); short protein forms R1391fs, R3056fs, R1447fs, R3000fs.
Identifiers: ClinVar variation 2004668 (VCV002004668.4), dbSNP rs2511638321, ClinGen allele CA2580095534.

ClinVar aggregate classification (germline): Pathogenic (1 of 4 stars; one submission).

Allele frequency attached by ClinVar (database versions not stated): gnomAD exomes below 0.00001.

Submission:

Labcorp Genetics (formerly Invitae), Labcorp
Classification: Pathogenic. Last evaluated: 2022-06-11. Review status: criteria provided, single submitter. Criteria: Invitae Variant Classification Sherloc (09022015). Collection method: clinical testing. Allele origin: germline.
Comment: This sequence change creates a premature translational stop signal (p.Arg1447Glyfs*32) in the LAMA3 gene. It is expected to result in an absent or disrupted protein product. Loss-of-function variants in LAMA3 are known to be pathogenic (PMID: 10366601, 11810295, 12915477, 16473856, 17362460, 22434185, 23869449, 27827380, 28087116). This variant is not present in population databases (gnomAD no frequency). This variant has not been reported in the literature in individuals affected with LAMA3-related conditions. Algorithms developed to predict the effect of sequence changes on RNA splicing suggest that this variant may disrupt the consensus splice site. For these reasons, this variant has been classified as Pathogenic.

Literature cited by the submitters: PubMed 10366601; PubMed 11810295; PubMed 12915477; PubMed 16473856; PubMed 17362460; PubMed 22434185; PubMed 23869449; PubMed 27827380; PubMed 28087116.